The following is an entry in ClinVar:

ClinVar aggregate classification (germline): Uncertain significance (1 of 4 stars; one submission).

Conditions:
ITPR3-related disorder. Also called: ITPR3-related condition.

gnomAD v4.1: 145 of 1,613,470 alleles (0.009%); highest among the groups gnomAD compares: South Asian, 0.033%; 1 homozygote.

Submission:

PreventionGenetics, part of Exact Sciences
Classification: Uncertain significance for ITPR3-related condition. Last evaluated: 2025-04-08. Review status: criteria provided, single submitter. Criteria: ACMG Guidelines, 2015. Collection method: clinical testing. Allele origin: germline.
Comment: The ITPR3 c.122C>T variant is predicted to result in the amino acid substitution p.Ala41Val. To our knowledge, this variant has not been reported in the literature. This variant is reported in 0.033% of alleles in individuals of South Asian descent in gnomAD. At this time, the clinical significance of this variant is uncertain due to the absence of conclusive functional and genetic evidence.

NM_002224.4(ITPR3):c.122C>T (p.Ala41Val)

Gene: ITPR3 (inositol 1,4,5-trisphosphate receptor type 3; plus strand). Cytogenetic location: 6p21.31.
Variant type: single nucleotide variant.
Coding change: c.122C>T on transcript NM_002224.4 (MANE Select); coding-DNA position 122, C replaced by T.
Protein change: p.Ala41Val; replaces alanine 41 with valine.
Molecular consequence: missense variant.
Genome position (GRCh38, 1-based): chr6:33,640,516, C>T. VCF-style: chr6-33640516-C-T. GRCh37 (hg19) VCF-style: chr6-33608293-C-T.
Other names: short protein forms A41V.
Identifiers: ClinVar variation 4986188 (VCV004986188.1).